The following is an entry in ClinVar:

NM_001148.6(ANK2):c.5210T>C (p.Leu1737Ser)

Genes: ANK2 (ankyrin 2; plus strand), LOC126807136 (MED14-independent group 3 enhancer GRCh37_chr4:114274931-114276130; plus strand). Cytogenetic location: 4q26.
Variant type: single nucleotide variant.
Coding change: c.5210T>C on transcript NM_001148.6 (MANE Select); coding-DNA position 5210, T replaced by C.
Protein change: p.Leu1737Ser; replaces leucine 1737 with serine.
Molecular consequence: missense variant. On other transcripts: intron variant (68).
Genome position (GRCh38, 1-based): chr4:113,353,828, T>C. VCF-style: chr4-113353828-T-C. GRCh37 (hg19) VCF-style: chr4-114274984-T-C.
Other names: c.4976T>C, p.Leu1659Ser (NM_001386142.1); c.1610T>C, p.Leu537Ser (NM_001386166.1); c.5351T>C, p.Leu1784Ser (NM_001386174.1); c.5327T>C, p.Leu1776Ser (NM_001386175.1); c.4411+3579T>C (NM_001386186.2, NM_001386148.2); c.4213+3579T>C (NM_001354269.3); c.4291+3579T>C (NM_001386187.2); c.4252+3579T>C (NM_001386147.1); and 36 more; short protein forms L1659S, L1737S, L1776S, L1784S, L537S.
Identifiers: ClinVar variation 1436893 (VCV001436893.9), dbSNP rs1458341997, ClinGen allele CA357918366.

ClinVar aggregate classification (germline): Uncertain significance. Review status: criteria provided, multiple submitters, no conflicts (2 of 4 stars). 2 submissions from 2 submitters: Uncertain significance (2). Last evaluated 2026-03-20.

Conditions:
Long QT syndrome (LQTS). Identifiers: MedGen C0023976, MeSH D008133, MONDO:0002442. Disease mechanism: loss of function. Inheritance: Various modes of inheritance.

Allele frequency attached by ClinVar (database versions not stated): gnomAD 0.00001.
gnomAD v4.1: 2 of 1,613,892 alleles (0.00012%); highest among the groups gnomAD compares: African/African-American, 0.0013%; no homozygotes.

Submissions (2):

GeneDx
Classification: Uncertain significance. Last evaluated: 2026-03-20. Review status: criteria provided, single submitter. Criteria: GeneDx Variant Classification Process June 2021. Collection method: clinical testing. Allele origin: germline.
Comment: In silico analysis suggests that this missense variant does not alter protein structure/function; Has not been previously published as pathogenic or benign to our knowledge

Labcorp Genetics (formerly Invitae), Labcorp
Classification: Uncertain significance for Long QT syndrome. Last evaluated: 2023-06-15. Review status: criteria provided, single submitter. Criteria: Invitae Variant Classification Sherloc (09022015). Collection method: clinical testing. Allele origin: germline.
Comment: This variant has not been reported in the literature in individuals affected with ANK2-related conditions. Algorithms developed to predict the effect of missense changes on protein structure and function output the following: SIFT: "Not Available"; PolyPhen-2: "Benign"; Align-GVGD: "Not Available". The serine amino acid residue is found in multiple mammalian species, which suggests that this missense change does not adversely affect protein function. ClinVar contains an entry for this variant (Variation ID: 1436893). This variant is present in population databases (no rsID available, gnomAD 0.02%). This sequence change replaces leucine, which is neutral and non-polar, with serine, which is neutral and polar, at codon 1737 of the ANK2 protein (p.Leu1737Ser). In summary, the available evidence is currently insufficient to determine the role of this variant in disease. Therefore, it has been classified as a Variant of Uncertain Significance.